The following is an entry in ClinVar:

ClinVar aggregate classification (germline): Uncertain significance (1 of 4 stars; one submission).

Submission:

Labcorp Genetics (formerly Invitae), Labcorp
Classification: Uncertain significance. Last evaluated: 2025-08-16. Review status: criteria provided, single submitter. Criteria: Invitae Variant Classification Sherloc (09022015). Collection method: clinical testing. Allele origin: germline.
Comment: This sequence change replaces isoleucine, which is neutral and non-polar, with phenylalanine, which is neutral and non-polar, at codon 996 of the HMCN1 protein (p.Ile996Phe). This variant is not present in population databases (gnomAD no frequency). This variant has not been reported in the literature in individuals affected with HMCN1-related conditions. ClinVar contains an entry for this variant (Variation ID: 3724444). An algorithm developed to predict the effect of missense changes on protein structure and function (PolyPhen-2) suggests that this variant is likely to be disruptive. In summary, the available evidence is currently insufficient to determine the role of this variant in disease. Therefore, it has been classified as a Variant of Uncertain Significance.

NM_031935.3(HMCN1):c.2986A>T (p.Ile996Phe)

Gene: HMCN1 (hemicentin 1; plus strand). Cytogenetic location: 1q31.1.
Variant type: single nucleotide variant.
Coding change: c.2986A>T on transcript NM_031935.3 (MANE Select); coding-DNA position 2986, A replaced by T.
Protein change: p.Ile996Phe; replaces isoleucine 996 with phenylalanine.
Molecular consequence: missense variant.
Genome position (GRCh38, 1-based): chr1:185,987,482, A>T. VCF-style: chr1-185987482-A-T. GRCh37 (hg19) VCF-style: chr1-185956614-A-T.
Other names: short protein forms I996F.
Identifiers: ClinVar variation 3724444 (VCV003724444.2).